The following is an entry in ClinVar:

ClinVar aggregate classification (germline): Likely pathogenic (1 of 4 stars; one submission).

Conditions:
Ellis-van Creveld syndrome (EVC). Also called: EVC-Related Ellis-van Creveld Syndrome; EVC2-Related Ellis-van Creveld Syndrome; MESOECTODERMAL DYSPLASIA; Chondroectodermal dysplasia. Identifiers: Orphanet 289, MedGen C0013903, MONDO:0009162, OMIM 225500.

Submission:

Myriad Genetics, Inc.
Classification: Likely pathogenic for Ellis-van Creveld syndrome. Last evaluated: 2022-03-03. Review status: criteria provided, single submitter. Criteria: Myriad Women's Health Autosomal Recessive and X-Linked Classification Criteria (2021). Collection method: clinical testing. Allele origin: unknown.
Comment: NM_147127.4(EVC2):c.1261_1262ins17(S421Lfs*10) is expected to be pathogenic in the context of EVC2-related Ellis-van Creveld syndrome. This variant is predicted to lead to an abnormal or absent protein product due to the creation of a premature termination codon in EVC2, a gene where loss-of-function variants are known to be pathogenic. Please note: this variant was assessed in the context of healthy population screening.

NM_147127.5(EVC2):c.1261_1262insTATACACATCTGTGATC (p.Ser421fs)

Genes: EVC2 (EvC ciliary complex subunit 2; minus strand), LOC126806961 (BRD4-independent group 4 enhancer GRCh37_chr4:5641443-5642642; plus strand). Cytogenetic location: 4p16.2.
Variant type: Insertion.
Coding change: c.1261_1262insTATACACATCTGTGATC on transcript NM_147127.5 (MANE Select); coding-DNA positions 1261 to 1262, TATACACATCTGTGATC inserted.
Protein change: p.Ser421fs; shifts the reading frame from serine 421.
Molecular consequence: frameshift variant.
Genome position: GRCh38 VCF-style: chr4-5640722-G-GGATCACAGATGTGTATA. GRCh37 (hg19) VCF-style: chr4-5642449-G-GGATCACAGATGTGTATA.
Other names: c.1021_1022insTATACACATCTGTGATC, p.Ser341fs (NM_001166136.2); short protein forms S341fs, S421fs.
Identifiers: ClinVar variation 1724940 (VCV001724940.2), dbSNP rs2475438548, ClinGen allele CA2580070751.